The following is an entry in ClinVar:

NM_001378454.1(ALMS1):c.12383A>T (p.Glu4128Val)

Gene: ALMS1 (ALMS1 centrosome and basal body associated protein; plus strand). Cytogenetic location: 2p13.1.
Variant type: single nucleotide variant.
Coding change: c.12383A>T on transcript NM_001378454.1 (MANE Select); coding-DNA position 12383, A replaced by T.
Protein change: p.Glu4128Val; replaces glutamic acid 4128 with valine.
Molecular consequence: missense variant.
Genome position (GRCh38, 1-based): chr2:73,608,495, A>T. VCF-style: chr2-73608495-A-T. GRCh37 (hg19) VCF-style: chr2-73835622-A-T.
Other names: c.12386A>T, p.Glu4129Val (NM_015120.4); short protein forms E4128V, E4129V.
Identifiers: ClinVar variation 3355222 (VCV003355222.1).

ClinVar aggregate classification (germline): Uncertain significance (0 of 4 stars; one submission).

Conditions:
ALMS1-related disorder. Also called: ALMS1-related condition.

Submission:

PreventionGenetics, part of Exact Sciences
Classification: Uncertain significance for ALMS1-related condition. Last evaluated: 2024-09-18. Review status: no assertion criteria provided. Collection method: clinical testing. Allele origin: germline.
Comment: The ALMS1 c.12386A>T variant is predicted to result in the amino acid substitution p.Gln4129Leu. To our knowledge, this variant has not been reported in the literature or in a large population database, indicating this variant is rare. At this time, the clinical significance of this variant is uncertain due to the absence of conclusive functional and genetic evidence.